The following is an entry in ClinVar:

ClinVar aggregate classification (germline): Uncertain significance (1 of 4 stars; one submission).

Conditions:
Inborn genetic diseases. Identifiers: MedGen C0950123, MeSH D030342.

gnomAD v4.1: 3 of 1,613,806 alleles (0.00019%); highest among the groups gnomAD compares: South Asian, 0.0033%; no homozygotes.

Submission:

Ambry Genetics
Classification: Uncertain significance for Inborn genetic diseases. Last evaluated: 2021-02-19. Review status: criteria provided, single submitter. Criteria: Ambry Variant Classification Scheme 2023. Collection method: clinical testing. Allele origin: germline.
Comment: The c.1685A>G (p.N562S) alteration is located in exon 5 (coding exon 4) of the NSD1 gene. This alteration results from a A to G substitution at nucleotide position 1685, causing the asparagine (N) at amino acid position 562 to be replaced by a serine (S). The p.N562S alteration is predicted to be tolerated by in silico analysis. Based on insufficient or conflicting evidence, the clinical significance of this alteration remains unclear.

NM_022455.5(NSD1):c.1685A>G (p.Asn562Ser)

Gene: NSD1 (nuclear receptor binding SET domain protein 1; plus strand). Cytogenetic location: 5q35.3.
Variant type: single nucleotide variant.
Coding change: c.1685A>G on transcript NM_022455.5 (MANE Select); coding-DNA position 1685, A replaced by G.
Protein change: p.Asn562Ser; replaces asparagine 562 with serine.
Molecular consequence: missense variant.
Genome position (GRCh38, 1-based): chr5:177,210,084, A>G. VCF-style: chr5-177210084-A-G. GRCh37 (hg19) VCF-style: chr5-176637085-A-G.
Other names: c.812A>G, p.Asn271Ser (NM_001365684.2, NM_001409306.1, NM_001409307.1 and 3 more transcripts); c.1685A>G, p.Asn562Ser (NM_001409301.1, NM_001409302.1, NM_001409303.1); c.1265A>G, p.Asn422Ser (NM_001409304.1); c.932A>G, p.Asn311Ser (NM_001409305.1); short protein forms N562S, N311S, N422S, N271S, N293S.
Identifiers: ClinVar variation 2228633 (VCV002228633.2), dbSNP rs2149843465, ClinGen allele CA362310854.
Genomic context (GRCh38, chr5:177,210,084, plus strand): 5'-TATCTGATACGCAGGCCTCTAATGAACTTTCCAGGATAGCAAATAGCCTCACAGGGTCCA[A>G]CACTGCCCCAGGAAGTTTTCTGTTTTCTTCCTGTGGAAAAAACACTGCAAAGAAAGAATT-3'
Protein context (NP_071900.2, residues 552-572): SRIANSLTGS[Asn562Ser]TAPGSFLFSS